The following is an entry in ClinVar:

ClinVar aggregate classification (germline): Uncertain significance. Review status: criteria provided, multiple submitters, no conflicts (2 of 4 stars). 2 submissions from 2 submitters: Uncertain significance (2). Last evaluated 2025-03-07.

Conditions:
Donnai-Barrow syndrome. Also called: DBS/FOAR SYNDROME; FACIOOCULOACOUSTICORENAL SYNDROME. Identifiers: Orphanet 2143, MedGen C1857277, MONDO:0009104, OMIM 222448.

Allele frequency attached by ClinVar (database versions not stated): gnomAD exomes 0.00002; gnomAD 0.00003 and 0.00002; TOPMed 0.00003; ESP Exome Variant Server 0.00008; ExAC 0.00002.
gnomAD v4.1: 29 of 1,614,040 alleles (0.0018%); highest among the groups gnomAD compares: East Asian, 0.0022%; no homozygotes.

Submissions (2):

Labcorp Genetics (formerly Invitae), Labcorp
Classification: Uncertain significance. Last evaluated: 2025-03-07. Review status: criteria provided, single submitter. Criteria: Invitae Variant Classification Sherloc (09022015). Collection method: clinical testing. Allele origin: germline.
Comment: This sequence change replaces methionine, which is neutral and non-polar, with threonine, which is neutral and polar, at codon 2732 of the LRP2 protein (p.Met2732Thr). This variant is present in population databases (rs139566828, gnomAD 0.006%). This variant has not been reported in the literature in individuals affected with LRP2-related conditions. ClinVar contains an entry for this variant (Variation ID: 1371322). Invitae Evidence Modeling of protein sequence and biophysical properties (such as structural, functional, and spatial information, amino acid conservation, physicochemical variation, residue mobility, and thermodynamic stability) indicates that this missense variant is not expected to disrupt LRP2 protein function with a negative predictive value of 95%. In summary, the available evidence is currently insufficient to determine the role of this variant in disease. Therefore, it has been classified as a Variant of Uncertain Significance.

Fulgent Genetics
Classification: Uncertain significance for Donnai-Barrow syndrome. Last evaluated: 2024-06-17. Review status: criteria provided, single submitter. Criteria: ACMG Guidelines, 2015. Collection method: clinical testing. Allele origin: germline.

NM_004525.3(LRP2):c.8195T>C (p.Met2732Thr)

Gene: LRP2 (LDL receptor related protein 2; minus strand). Cytogenetic location: 2q31.1.
Variant type: single nucleotide variant.
Coding change: c.8195T>C on transcript NM_004525.3 (MANE Select); coding-DNA position 8195, T replaced by C.
Protein change: p.Met2732Thr; replaces methionine 2732 with threonine.
Molecular consequence: missense variant.
Genome position (GRCh38, 1-based): chr2:169,202,770, A>G on the plus strand (T>C on the coding strand, the complement: LRP2 is on the minus strand). VCF-style: chr2-169202770-A-G. GRCh37 (hg19) VCF-style: chr2-170059280-A-G.
Other names: short protein forms M2732T.
Identifiers: ClinVar variation 1371322 (VCV001371322.5), dbSNP rs139566828, ClinGen allele CA1953920.